The following is an entry in ClinVar:

NM_138927.4(SON):c.2636G>A (p.Gly879Asp)

Gene: SON (SON DNA and RNA binding protein; plus strand). Cytogenetic location: 21q22.11.
Variant type: single nucleotide variant.
Coding change: c.2636G>A on transcript NM_138927.4 (MANE Select); coding-DNA position 2636, G replaced by A.
Protein change: p.Gly879Asp; replaces glycine 879 with aspartic acid.
Molecular consequence: missense variant. On other transcripts: non-coding transcript variant (1), intron variant (1).
Genome position (GRCh38, 1-based): chr21:33,551,867, G>A. VCF-style: chr21-33551867-G-A. GRCh37 (hg19) VCF-style: chr21-34924173-G-A.
Other names: c.2636G>A, p.Gly879Asp (NM_001291411.2, NM_032195.3); c.245-5289G>A (NM_001291412.3); short protein forms G879D.
Identifiers: ClinVar variation 3372433 (VCV003372433.1).

ClinVar aggregate classification (germline): Uncertain significance (1 of 4 stars; one submission).

Submission:

GeneDx
Classification: Uncertain significance. Last evaluated: 2024-04-25. Review status: criteria provided, single submitter. Criteria: GeneDx Variant Classification Process June 2021. Collection method: clinical testing. Allele origin: germline. Affected: yes.
Comment: Not observed at significant frequency in large population cohorts (gnomAD); In silico analysis supports that this missense variant has a deleterious effect on protein structure/function; Has not been previously published as pathogenic or benign to our knowledge